The following is an entry in ClinVar:

NM_033427.3(CTTNBP2):c.3103G>A (p.Val1035Met)

Gene: CTTNBP2 (cortactin binding protein 2; minus strand). Cytogenetic location: 7q31.31.
Variant type: single nucleotide variant.
Coding change: c.3103G>A on transcript NM_033427.3 (MANE Select); coding-DNA position 3103, G replaced by A.
Protein change: p.Val1035Met; replaces valine 1035 with methionine.
Molecular consequence: missense variant.
Genome position (GRCh38, 1-based): chr7:117,760,504, C>T on the plus strand (G>A on the coding strand, the complement: CTTNBP2 is on the minus strand). VCF-style: chr7-117760504-C-T. GRCh37 (hg19) VCF-style: chr7-117400558-C-T.
Other names: c.3049G>A, p.Val1017Met (NM_001363349.1); c.1006G>A, p.Val336Met (NM_001363350.1, NM_001363351.1); short protein forms V1017M, V336M, V1035M.
Identifiers: ClinVar variation 4981639 (VCV004981639.1).

ClinVar aggregate classification (germline): Likely benign (1 of 4 stars; one submission).

Conditions:
CTTNBP2-related disorder. Also called: CTTNBP2-related condition.

gnomAD v4.1: 681 of 1,614,122 alleles (0.042%); highest among the groups gnomAD compares: African/African-American, 0.77%; 1 homozygote.

Submission:

PreventionGenetics, part of Exact Sciences
Classification: Likely benign for CTTNBP2-related condition. Last evaluated: 2025-04-24. Review status: criteria provided, single submitter. Criteria: ACMG Guidelines, 2015. Collection method: clinical testing. Allele origin: germline.
Comment: This variant is classified as likely benign based on ACMG/AMP sequence variant interpretation guidelines (Richards et al. 2015 PMID: 25741868, with internal and published modifications).